The following is an entry in ClinVar:

NM_013382.7(POMT2):c.936C>G (p.Asp312Glu)

Gene: POMT2 (protein O-mannosyltransferase 2; minus strand). Cytogenetic location: 14q24.3.
Variant type: single nucleotide variant.
Coding change: c.936C>G on transcript NM_013382.7 (MANE Select); coding-DNA position 936, C replaced by G.
Protein change: p.Asp312Glu; replaces aspartic acid 312 with glutamic acid.
Molecular consequence: missense variant.
Genome position (GRCh38, 1-based): chr14:77,298,759, G>C on the plus strand (C>G on the coding strand, the complement: POMT2 is on the minus strand). VCF-style: chr14-77298759-G-C. GRCh37 (hg19) VCF-style: chr14-77765102-G-C.
Other names: short protein forms D312E.
Identifiers: ClinVar variation 684556 (VCV000684556.3), dbSNP rs186690580, ClinGen allele CA390519807.
Genomic context (GRCh38, chr14:77,298,759, plus strand): 5'-GGAAGCATTGTGCAGGTTGTTCCCTGAAAGCCGGGCCTGGAAGGCAGAACTGAAGAAACC[G>C]TCACCAGGGCCACTGTGGGGAGAGGAAGAGCAGAAGAGAGTCAAGTTAAAGGAGTGAAAG-3'
Protein context (NP_037514.2, residues 302-322): FMVLSKSGPG[Asp312Glu]GFFSSAFQAR

ClinVar aggregate classification (germline): Uncertain significance (1 of 4 stars; one submission).

Conditions:
Inborn genetic diseases. Identifiers: MedGen C0950123, MeSH D030342.
Autosomal recessive limb-girdle muscular dystrophy type 2N. Also called: MUSCULAR DYSTROPHY-DYSTROGLYCANOPATHY, LIMB-GIRDLE, POMT2-RELATED; Muscular dystrophy-dystroglycanopathy (limb-girdle), type C, 2. Identifiers: Orphanet 206559, MedGen C3150418, MONDO:0013162, OMIM 613158.
Muscular dystrophy-dystroglycanopathy (congenital with brain and eye anomalies), type A2. Also called: MUSCULAR DYSTROPHY-DYSTROGLYCANOPATHY (CONGENITAL WITH BRAIN AND EYE ANOMALIES), TYPE A, 2; WALKER-WARBURG SYNDROME OR MUSCLE-EYE-BRAIN DISEASE, POMT2-RELATED. Identifiers: Orphanet 588, Orphanet 899, MedGen C3150411, MONDO:0013154, OMIM 613150.
Muscular dystrophy-dystroglycanopathy (congenital with impaired intellectual development), type B, 2. Also called: Muscular dystrophy-dystroglycanopathy (congenital with intellectual disability), type B2; MUSCULAR DYSTROPHY, CONGENITAL, POMT2-RELATED. Identifiers: MedGen C3150416, MONDO:0013160, OMIM 613156.

Allele frequency attached by ClinVar (database versions not stated): TOPMed 0.00001.
gnomAD v4.1: 3 of 1,612,796 alleles (0.00019%); highest among the groups gnomAD compares: Non-Finnish European, 0.00025%; no homozygotes.

Submission:

Ambry Genetics
Classification: Uncertain significance for Inborn genetic diseases. Last evaluated: 2025-11-26. Review status: criteria provided, single submitter. Criteria: Ambry Variant Classification Scheme 2023. Collection method: clinical testing. Allele origin: germline.